The following is an entry in ClinVar:

NM_007272.3(CTRC):c.371T>A (p.Leu124His)

Gene: CTRC (chymotrypsin C; plus strand). Cytogenetic location: 1p36.21.
Variant type: single nucleotide variant.
Coding change: c.371T>A on transcript NM_007272.3 (MANE Select); coding-DNA position 371, T replaced by A.
Protein change: p.Leu124His; replaces leucine 124 with histidine.
Molecular consequence: missense variant.
Genome position (GRCh38, 1-based): chr1:15,443,433, T>A. VCF-style: chr1-15443433-T-A. GRCh37 (hg19) VCF-style: chr1-15769928-T-A.
Other names: short protein forms L124H.
Identifiers: ClinVar variation 1734282 (VCV001734282.2), dbSNP rs1428164721, ClinGen allele CA338565921.

ClinVar aggregate classification (germline): Uncertain significance (1 of 4 stars; one submission).

Conditions:
Hereditary pancreatitis (PCTT). Also called: Hereditary chronic pancreatitis; PRSS1-Related Hereditary Pancreatitis. Identifiers: Orphanet 676, MedGen C0238339, MONDO:0008185, OMIM 167800.

Allele frequency attached by ClinVar (database versions not stated): gnomAD exomes below 0.00001; TOPMed below 0.00001.

Submission:

Ambry Genetics
Classification: Uncertain significance for Hereditary pancreatitis. Last evaluated: 2024-03-09. Review status: criteria provided, single submitter. Criteria: Ambry Variant Classification Scheme 2023. Collection method: clinical testing. Allele origin: germline.
Comment: The p.L124H variant (also known as c.371T>A), located in coding exon 5 of the CTRC gene, results from a T to A substitution at nucleotide position 371. The leucine at codon 124 is replaced by histidine, an amino acid with similar properties. This amino acid position is conserved. In addition, this alteration is predicted to be deleterious by in silico analysis. Since supporting evidence is limited at this time, the clinical significance of this alteration remains unclear.